The following is an entry in ClinVar:

NM_021072.4(HCN1):c.635T>A (p.Val212Glu)

Gene: HCN1 (hyperpolarization activated cyclic nucleotide gated potassium channel 1; minus strand). Cytogenetic location: 5p12.
Variant type: single nucleotide variant.
Coding change: c.635T>A on transcript NM_021072.4 (MANE Select); coding-DNA position 635, T replaced by A.
Protein change: p.Val212Glu; replaces valine 212 with glutamic acid.
Molecular consequence: missense variant.
Genome position (GRCh38, 1-based): chr5:45,645,399, A>T on the plus strand (T>A on the coding strand, the complement: HCN1 is on the minus strand). VCF-style: chr5-45645399-A-T. GRCh37 (hg19) VCF-style: chr5-45645501-A-T.
Other names: short protein forms V212E.
Identifiers: ClinVar variation 1306863 (VCV001306863.2), dbSNP rs2112032121, ClinGen allele CA359707468.

ClinVar aggregate classification (germline): Uncertain significance (1 of 4 stars; one submission).

Submission:

GeneDx
Classification: Uncertain significance. Last evaluated: 2019-07-10. Review status: criteria provided, single submitter. Criteria: GeneDx Variant Classification Process June 2021. Collection method: clinical testing. Allele origin: germline. Affected: yes.
Comment: Has not been previously published as pathogenic or benign to our knowledge; Not observed in large population cohorts (Lek et al., 2016); In silico analysis, which includes protein predictors and evolutionary conservation, supports that this variant does not alter protein structure/function